The following is an entry in ClinVar:

NM_006415.4(SPTLC1):c.1204A>G (p.Thr402Ala)

Gene: SPTLC1 (serine palmitoyltransferase long chain base subunit 1; minus strand). Cytogenetic location: 9q22.31.
Variant type: single nucleotide variant.
Coding change: c.1204A>G on transcript NM_006415.4 (MANE Select); coding-DNA position 1204, A replaced by G.
Protein change: p.Thr402Ala; replaces threonine 402 with alanine.
Molecular consequence: missense variant.
Genome position (GRCh38, 1-based): chr9:92,038,298, T>C on the plus strand (A>G on the coding strand, the complement: SPTLC1 is on the minus strand). VCF-style: chr9-92038298-T-C. GRCh37 (hg19) VCF-style: chr9-94800580-T-C.
Other names: c.1204A>G, p.Thr402Ala (NM_001281303.2); c.838A>G, p.Thr280Ala (NM_001368272.1); c.739A>G, p.Thr247Ala (NM_001368273.1); short protein forms T247A, T280A, T402A.
Identifiers: ClinVar variation 838490 (VCV000838490.11), dbSNP rs781421635, ClinGen allele CA5121283.

ClinVar aggregate classification (germline): Uncertain significance. Review status: criteria provided, multiple submitters, no conflicts (2 of 4 stars). 2 submissions from 2 submitters: Uncertain significance (2). Last evaluated 2023-07-18.

Conditions:
Hereditary sensory and autonomic neuropathy type 1 (HSAN1). Also called: HSAN 1; HSN Type I; Hereditary Sensory Neuropathy Type I. Identifiers: Orphanet 36386, MedGen C0020071, MONDO:0018213.
Inborn genetic diseases. Identifiers: MedGen C0950123, MeSH D030342.

Allele frequency attached by ClinVar (database versions not stated): gnomAD exomes below 0.00001 and 0.00001; ExAC 0.00001.
gnomAD v4.1: 3 of 1,614,226 alleles (0.00019%); highest among the groups gnomAD compares: East Asian, 0.0045%; no homozygotes.

Submissions (2):

Labcorp Genetics (formerly Invitae), Labcorp
Classification: Uncertain significance for Hereditary sensory and autonomic neuropathy type 1. Last evaluated: 2023-07-18. Review status: criteria provided, single submitter. Criteria: Invitae Variant Classification Sherloc (09022015). Collection method: clinical testing. Allele origin: germline.
Comment: In summary, the available evidence is currently insufficient to determine the role of this variant in disease. Therefore, it has been classified as a Variant of Uncertain Significance. Advanced modeling of protein sequence and biophysical properties (such as structural, functional, and spatial information, amino acid conservation, physicochemical variation, residue mobility, and thermodynamic stability) performed at Invitae indicates that this missense variant is not expected to disrupt SPTLC1 protein function. ClinVar contains an entry for this variant (Variation ID: 838490). This variant has not been reported in the literature in individuals affected with SPTLC1-related conditions. This variant is present in population databases (rs781421635, gnomAD 0.01%). This sequence change replaces threonine, which is neutral and polar, with alanine, which is neutral and non-polar, at codon 402 of the SPTLC1 protein (p.Thr402Ala).

Ambry Genetics
Classification: Uncertain significance for Inborn genetic diseases. Last evaluated: 2020-01-21. Review status: criteria provided, single submitter. Criteria: Ambry Variant Classification Scheme 2023. Collection method: clinical testing. Allele origin: germline.
Comment: The p.T402A variant (also known as c.1204A>G), located in coding exon 13 of the SPTLC1 gene, results from an A to G substitution at nucleotide position 1204. The threonine at codon 402 is replaced by alanine, an amino acid with similar properties. This amino acid position is well conserved in available vertebrate species. In addition, this alteration is predicted to be tolerated by in silico analysis. Since supporting evidence is limited at this time, the clinical significance of this alteration remains unclear.